The following is an entry in ClinVar:

NM_007294.4(BRCA1):c.5258G>C (p.Arg1753Thr)

Gene: BRCA1 (BRCA1 DNA repair associated; minus strand). Cytogenetic location: 17q21.31.
Variant type: single nucleotide variant.
Coding change: c.5258G>C on transcript NM_007294.4 (MANE Select); coding-DNA position 5258, G replaced by C.
Protein change: p.Arg1753Thr; replaces arginine 1753 with threonine.
Molecular consequence: missense variant. On other transcripts: non-coding transcript variant (1).
Genome position (GRCh38, 1-based): chr17:43,057,071, C>G on the plus strand (G>C on the coding strand, the complement: BRCA1 is on the minus strand). VCF-style: chr17-43057071-C-G. GRCh37 (hg19) VCF-style: chr17-41209088-C-G.
Other names: NM_007294.4(BRCA1):c.5258G>C; c.5255G>C, p.Arg1752Thr (NM_001407610.1, NM_001407611.1, NM_001407612.1 and 17 more transcripts); c.5252G>C, p.Arg1751Thr (NM_001407629.1, NM_001407630.1, NM_001407631.1 and 14 more transcripts); c.5198G>C, p.Arg1733Thr (NM_001407649.1); c.5180G>C, p.Arg1727Thr (NM_001407652.1, NM_001407653.1, NM_001407654.1 and 1 more transcripts); c.5177G>C, p.Arg1726Thr (NM_001407656.1, NM_001407657.1, NM_001407658.1); c.5174G>C, p.Arg1725Thr (NM_001407659.1, NM_001407660.1, NM_001407661.1 and 2 more transcripts); c.5129G>C, p.Arg1710Thr (NM_001407689.1, NM_001407681.1, NM_001407682.1 and 6 more transcripts); and 73 more; short protein forms R1753T, R1774T, R1706T, R649T, R1625T, R1686T, R1709T, R1751T.
Identifiers: ClinVar variation 55488 (VCV000055488.23), dbSNP rs397509246, ClinGen allele CA003398.

ClinVar aggregate classification (germline): Likely pathogenic. Review status: reviewed by expert panel (3 of 4 stars). 7 submissions from 7 submitters: Likely pathogenic (1). 6 of the submissions do not count toward it. Last evaluated 2026-07-23.

Conditions:
Breast carcinoma. Also called: Carcinoma of breast. Identifiers: MedGen C0678222, MONDO:0004989, HP:0003002.
Familial cancer of breast. Also called: hereditary breast carcinoma; BREAST CANCER, FAMILIAL; Hereditary breast cancer. Identifiers: Orphanet 227535, MedGen C0346153, MONDO:0016419, OMIM 114480. Disease mechanism: loss of function.
BRCA1-related cancer predisposition. Identifiers: MedGen CN377757, MONDO:0700268.
Hereditary cancer-predisposing syndrome. Also called: Hereditary Cancer Syndrome; Hereditary neoplastic syndrome; Neoplastic Syndromes, Hereditary; Tumor predisposition. Identifiers: Orphanet 140162, MedGen C0027672, MeSH D009386, MONDO:0015356.
Hereditary breast ovarian cancer syndrome. Also called: BRCA1- and BRCA2-Associated Hereditary Breast and Ovarian Cancer; Hereditary breast and ovarian cancer syndrome; Hereditary breast and ovarian cancer syndrome (HBOC); Breast and ovarian cancer; Hereditary breast and/or ovarian cancer syndrome; Hereditary breast and ovarian cancer. Identifiers: Orphanet 145, MedGen C0677776, MeSH D061325, MONDO:0003582. Disease mechanism: loss of function.

Submissions (8):

ClinGen ENIGMA BRCA1 and BRCA2 Variant Curation Expert Panel, ClinGen
Classification: Likely pathogenic for BRCA1-related cancer predisposition. Last evaluated: 2026-07-23. Review status: reviewed by expert panel. Criteria: CSpec BRCA1/2ACMG Rules Specifications V1.2. Collection method: curation. Allele origin: germline. Inheritance: Autosomal dominant inheritance.
Comment: The c.5258G>C variant in BRCA1 is a missense variant predicted to cause substitution of Arginine by Threonine at amino acid 1753 (p.(Arg1753Thr)). This variant is absent from gnomAD v4.1 (read depth ≥25x in >90% samples, PM2_Supporting met). Reported by two calibrated studies to exhibit protein function similar to pathogenic control variants (PMIDs: 30209399, 30765603). This variant is reported as showing discrepant results in PMID: 32546644 and the authors recommend further investigation before using their results, therefore this assay has been excluded from the assessment of functional data (PS3 met). This BRCA1 missense variant is within a key functional domain and the computational predictor BayesDel (noAF) gives a score of 0.36, above the recommended threshold of 0.28 for prediction of impact on BRCA1 function via protein change. A SpliceAI score of 0 predicts no impact on splicing (score threshold <0.10) (PP3 met). Multifactorial likelihood ratio analysis using clinically calibrated data produced a combined LR for this variant of 4.28 (based on Co-occurrence LR=1.07; Family History LR=4.01), within the thresholds for supporting evidence towards pathogenicity (LR >2.08 & ≤4.3) (PP4 met; Internal lab contributor). In summary, this variant meets the criteria to be classified as a Likely pathogenic variant for BRCA1-related cancer predisposition based on the ACMG/AMP criteria applied as specified by the ENIGMA BRCA1/2 VCEP (PM2_Supporting, PP3, PP4, PS3).

Ambry Genetics
Classification: Likely pathogenic for Hereditary cancer-predisposing syndrome. Last evaluated: 2026-05-08. Review status: criteria provided, single submitter. Criteria: Ambry Variant Classification Scheme 2023. Collection method: clinical testing. Allele origin: germline. Not counted in ClinVar's aggregate classification.
Comment: The p.R1753T variant (also known as c.5258G>C), located in coding exon 18 of the BRCA1 gene, results from a G to C substitution at nucleotide position 5258. The arginine at codon 1753 is replaced by threonine, an amino acid with similar properties. One functional study found that this nucleotide substitution is non-functional in a high throughput genome editing haploid cell survival assay (Findlay GM et al. Nature, 2018 Oct;562:217-222). This amino acid position is highly conserved in available vertebrate species. In addition, this alteration is predicted to be deleterious by in silico analysis. This variant is considered to be rare based on population cohorts in the Genome Aggregation Database (gnomAD). Based on the majority of available evidence to date, this variant is likely to be pathogenic.

Labcorp Genetics (formerly Invitae), Labcorp
Classification: Likely pathogenic for Hereditary breast ovarian cancer syndrome. Last evaluated: 2025-12-02. Review status: criteria provided, single submitter. Criteria: Invitae Variant Classification Sherloc (09022015). Collection method: clinical testing. Allele origin: germline. Not counted in ClinVar's aggregate classification.
Comment: This sequence change replaces arginine, which is basic and polar, with threonine, which is neutral and polar, at codon 1753 of the BRCA1 protein (p.Arg1753Thr). This variant is not present in population databases (gnomAD no frequency). This missense change has been observed in individual(s) with breast and/or ovarian cancer (PMID: 19016756, 25066507). ClinVar contains an entry for this variant (Variation ID: 55488). Invitae Evidence Modeling incorporating data from in vitro experimental studies (PMID: 30209399) indicates that this missense variant is expected to disrupt BRCA1 function with a positive predictive value of 95%. Experimental studies have shown that this missense change affects BRCA1 function (PMID: 17308087, 20516115, 23867111, 30209399). In summary, the currently available evidence indicates that the variant is pathogenic, but additional data are needed to prove that conclusively. Therefore, this variant has been classified as Likely Pathogenic.

Color Diagnostics, LLC DBA Color Health
Classification: Uncertain significance for Hereditary cancer-predisposing syndrome. Last evaluated: 2024-04-10. Review status: criteria provided, single submitter. Criteria: ACMG Guidelines, 2015. Collection method: clinical testing. Allele origin: germline. Not counted in ClinVar's aggregate classification.
Comment: This missense variant replaces arginine with threonine at codon 1753 of the BRCA1 protein. Computational prediction suggests that this variant may have deleterious impact on protein structure and function. Functional studies have reported conflicting findings for this variant protein. Functional studies have reported that this variant impacted BRCA1 function in transcription activation and phosphopeptide binding assays, a haploid cell proliferation assay and BRCA1 peptide stability (PMID: 17308087, 20516115, 30209399). Studies using mouse Brca1-deficient embryonic stem cells have reported conflicting loss-of-function and no impact in homology-directed DNA repair assays and no impact on cisplatin and PARP inhibitor sensitivity assays (PMID: 23867111, 32546644). This variant has been reported in at least two individuals affected with ovarian cancer or both ovarian and breast cancer (PMID: 19016756, 25066507, 32059136) and two individuals affected with breast cancer (PMID: 25066507) and in a suspected hereditary breast and ovarian cancer family (DOI: 10.1515/tjb-2019-0424). A multifactorial analysis also has reported likelihood ratios for pathogenicity based on co-occurrence with a pathogenic variant and family history of 1.0673 and 4.0078, respectively (PMID: 31131967). This variant has not been identified in the general population by the Genome Aggregation Database (gnomAD). The available evidence is insufficient to determine the role of this variant in disease conclusively. Therefore, this variant is classified as a Variant of Uncertain Significance.

Quest Diagnostics Nichols Institute San Juan Capistrano
Classification: Pathogenic. Last evaluated: 2020-08-17. Review status: criteria provided, single submitter. Criteria: Quest Diagnostics criteria. Collection method: clinical testing. Allele origin: unknown. Not counted in ClinVar's aggregate classification.
Comment: A missense variant with dominant inheritance. Located in a potentially critical domain of the protein. Damaging to protein function(s) relevant to disease mechanism (PMID: 30209399, 28781887, 23867111, 21447777, 20516115, 17308087). ClinVar contains an entry for this variant: 55488.

Medical Genetics Laboratory, Umraniye Training and Research Hospital, University of Health Sciences
Classification: Pathogenic for Breast carcinoma. Last evaluated: 2021-08-09. Review status: no assertion criteria provided. Collection method: clinical testing. Allele origin: germline. Inheritance: Autosomal dominant inheritance. Affected: yes. Observed: 1 variant allele, 1 heterozygote. Not counted in ClinVar's aggregate classification.

Brotman Baty Institute, University of Washington
No classification provided (evidence only). Condition: Breast-ovarian cancer, familial 1. Review status: no classification provided. Collection method: in vitro. Allele origin: not applicable. Functional consequence: functionally_abnormal. Not counted in ClinVar's aggregate classification.
ClinVar note: "not provided" was previously submitted as the classification for the variant. However, the classification appeared to be based only on an observation of functional data so it was converted to no classification on 2025-07-30.

ClinVar Staff, National Center for Biotechnology Information (NCBI)
No classification provided. Condition: Familial cancer of breast. Review status: no classification provided. Collection method: literature only. Allele origin: germline. Affected: yes. Not counted in ClinVar's aggregate classification.

Literature cited by the submitters: PubMed 30209399 (cited by 4 submitters); PubMed 19016756 (cited by 3 submitters); PubMed 25066507 (cited by 3 submitters); PubMed 17308087 (cited by 4 submitters); PubMed 20516115 (cited by 3 submitters); PubMed 23867111 (cited by 3 submitters); PubMed 31131967 (cited by Color Diagnostics, LLC DBA Color Health); PubMed 32059136 (cited by Color Diagnostics, LLC DBA Color Health); PubMed 32546644 (cited by Color Diagnostics, LLC DBA Color Health); PubMed 30765603 (cited by Quest Diagnostics Nichols Institute San Juan Capistrano); PubMed 21447777 (cited by Quest Diagnostics Nichols Institute San Juan Capistrano); PubMed 28781887 (cited by Quest Diagnostics Nichols Institute San Juan Capistrano); PubMed 23199084 (cited by Quest Diagnostics Nichols Institute San Juan Capistrano); PubMed 2144777 (cited by ClinVar Staff, National Center for Biotechnology Information (NCBI)).